The following is an entry in ClinVar:

ClinVar aggregate classification (germline): Uncertain significance. Review status: criteria provided, multiple submitters, no conflicts (2 of 4 stars). 2 submissions from 2 submitters: Uncertain significance (2). Last evaluated 2022-03-19.

Conditions:
Infantile nephronophthisis (NPHP2). Also called: Nephronophthisis 2; Nephronophthisis 2, infantile. Identifiers: Orphanet 655, Orphanet 93591, MedGen C1865872, MONDO:0011190, OMIM 602088.
Nephronophthisis. Also called: Juvenile Nephronophthisis. Identifiers: Orphanet 655, MedGen C0687120, MONDO:0019005, HP:0000090.

Allele frequency attached by ClinVar (database versions not stated): gnomAD 0.00001.
gnomAD v4.1: 3 of 1,613,920 alleles (0.00019%); highest among the groups gnomAD compares: Non-Finnish European, 0.00025%; no homozygotes.

Submissions (2):

Labcorp Genetics (formerly Invitae), Labcorp
Classification: Uncertain significance for Nephronophthisis. Last evaluated: 2022-03-19. Review status: criteria provided, single submitter. Criteria: Invitae Variant Classification Sherloc (09022015). Collection method: clinical testing. Allele origin: germline.
Comment: This sequence change replaces glutamic acid, which is acidic and polar, with glutamine, which is neutral and polar, at codon 545 of the INVS protein (p.Glu545Gln). This variant is not present in population databases (gnomAD no frequency). This variant has not been reported in the literature in individuals affected with INVS-related conditions. Algorithms developed to predict the effect of missense changes on protein structure and function (SIFT, PolyPhen-2, Align-GVGD) all suggest that this variant is likely to be disruptive. In summary, the available evidence is currently insufficient to determine the role of this variant in disease. Therefore, it has been classified as a Variant of Uncertain Significance.

Fulgent Genetics
Classification: Uncertain significance for Infantile nephronophthisis. Last evaluated: 2021-10-08. Review status: criteria provided, single submitter. Criteria: ACMG Guidelines, 2015. Collection method: clinical testing. Allele origin: unknown.

NM_014425.5(INVS):c.1633G>C (p.Glu545Gln)

Gene: INVS (inversin; plus strand). Cytogenetic location: 9q31.1.
Variant type: single nucleotide variant.
Coding change: c.1633G>C on transcript NM_014425.5 (MANE Select); coding-DNA position 1633, G replaced by C.
Protein change: p.Glu545Gln; replaces glutamic acid 545 with glutamine.
Molecular consequence: missense variant. On other transcripts: non-coding transcript variant (1).
Genome position (GRCh38, 1-based): chr9:100,272,925, G>C. VCF-style: chr9-100272925-G-C. GRCh37 (hg19) VCF-style: chr9-103035207-G-C.
Other names: c.1345G>C, p.Glu449Gln (NM_001318381.2); c.655G>C, p.Glu219Gln (NM_001318382.2); short protein forms E545Q, E219Q, E449Q.
Identifiers: ClinVar variation 1449119 (VCV001449119.6), dbSNP rs1832999935, ClinGen allele CA374238362.